The following is an entry in ClinVar:

ClinVar aggregate classification (germline): Pathogenic. Review status: reviewed by expert panel (3 of 4 stars). 2 submissions from 2 submitters: Pathogenic (1). 1 of the submissions does not count toward it. Last evaluated 2017-12-15.

Conditions:
Breast-ovarian cancer, familial, susceptibility to, 2 (BROVCA2). Also called: BRCA2 Hereditary Breast and Ovarian Cancer. Identifiers: Orphanet 145, MedGen C2675520, MONDO:0012933, OMIM 612555. Disease mechanism: loss of function.
Hereditary breast ovarian cancer syndrome. Also called: BRCA1- and BRCA2-Associated Hereditary Breast and Ovarian Cancer; Hereditary breast and/or ovarian cancer syndrome; Hereditary breast and ovarian cancer; Hereditary breast and ovarian cancer syndrome; Hereditary breast and ovarian cancer syndrome (HBOC); Breast and ovarian cancer. Identifiers: Orphanet 145, MedGen C0677776, MeSH D061325, MONDO:0003582. Disease mechanism: loss of function.

Submissions (2):

Evidence-based Network for the Interpretation of Germline Mutant Alleles (ENIGMA)
Classification: Pathogenic for Breast-ovarian cancer, familial, susceptibility to, 2. Last evaluated: 2017-12-15. Review status: reviewed by expert panel. Criteria: ENIGMA BRCA1/2 Classification Criteria (2017-06-29). Collection method: curation. Allele origin: germline. Study: ENIGMA.
Comment: Variant allele predicted to encode a truncated non-functional protein.

Department of Pathology and Laboratory Medicine, Sinai Health System
Classification: Pathogenic for Hereditary breast ovarian cancer syndrome. Review status: criteria provided, single submitter. Criteria: ACMG Guidelines, 2015. Collection method: clinical testing. Allele origin: germline. Affected: yes. Study: The Canadian Open Genetics Repository (COGR). Not counted in ClinVar's aggregate classification.

NM_000059.4(BRCA2):c.1889_1890dup (p.Phe631fs)

Gene: BRCA2 (BRCA2 DNA repair associated; plus strand). Cytogenetic location: 13q13.1.
Variant type: Duplication.
Coding change: c.1889_1890dup on transcript NM_000059.4 (MANE Select); coding-DNA positions 1889 to 1890, 2 bases duplicated (CA; older notation c.1889_1890dupCA).
Protein change: p.Phe631fs; shifts the reading frame from phenylalanine 631.
Molecular consequence: frameshift variant.
Genome position (GRCh38, 1-based): chr13:32,333,367-32,333,368, CA duplicated; duplicating any 2 consecutive bases within chr13:32,333,366-32,333,368 gives the same sequence; the c. name uses the placement nearest the transcript's 3' end. VCF-style (leftmost placement, unchanged base first): chr13-32333365-T-TAC. GRCh37 (hg19) VCF-style: chr13-32907502-T-TAC.
Other names: c.1889_1890dupCA (NM_000059.3); short protein forms F631fs.
Identifiers: ClinVar variation 433763 (VCV000433763.1), dbSNP rs1555282148, ClinGen allele CA645372949.